The following is an entry in ClinVar:

ClinVar aggregate classification (germline): Uncertain significance (1 of 4 stars; one submission).

Allele frequency attached by ClinVar (database versions not stated): gnomAD exomes below 0.00001; ExAC 0.00001; gnomAD 0.00002 and 0.00003; TOPMed 0.00005.

Submission:

Labcorp Genetics (formerly Invitae), Labcorp
Classification: Uncertain significance. Last evaluated: 2024-07-01. Review status: criteria provided, single submitter. Criteria: Invitae Variant Classification Sherloc (09022015). Collection method: clinical testing. Allele origin: germline.
Comment: This sequence change replaces histidine, which is basic and polar, with tyrosine, which is neutral and polar, at codon 111 of the RELA protein (p.His111Tyr). This variant is present in population databases (rs769755404, gnomAD 0.008%). This variant has not been reported in the literature in individuals affected with RELA-related conditions. ClinVar contains an entry for this variant (Variation ID: 1362689). An algorithm developed to predict the effect of missense changes on protein structure and function (PolyPhen-2) suggests that this variant is likely to be tolerated. In summary, the available evidence is currently insufficient to determine the role of this variant in disease. Therefore, it has been classified as a Variant of Uncertain Significance.

NM_021975.4(RELA):c.331C>T (p.His111Tyr)

Gene: RELA (RELA proto-oncogene, NF-kB subunit; minus strand). Cytogenetic location: 11q13.1.
Variant type: single nucleotide variant.
Coding change: c.331C>T on transcript NM_021975.4 (MANE Select); coding-DNA position 331, C replaced by T.
Protein change: p.His111Tyr; replaces histidine 111 with tyrosine.
Molecular consequence: missense variant.
Genome position (GRCh38, 1-based): chr11:65,661,691, G>A on the plus strand (C>T on the coding strand, the complement: RELA is on the minus strand). VCF-style: chr11-65661691-G-A. GRCh37 (hg19) VCF-style: chr11-65429162-G-A.
Other names: c.331C>T, p.His111Tyr (NM_001145138.2, NM_001243984.2, NM_001243985.2); short protein forms H111Y.
Identifiers: ClinVar variation 1362689 (VCV001362689.6), dbSNP rs769755404, ClinGen allele CA6106929.